The following is an entry in ClinVar:

ClinVar aggregate classification (germline): Pathogenic (1 of 4 stars; one submission).

Conditions:
Multiple sulfatase deficiency (MSD). Also called: Mucosulfatidosis; Multiple Sulfatase Deficiency Disease; Sulfatidosis, Juvenile, Austin Type. Identifiers: Orphanet 585, MedGen C0268263, MONDO:0010088, OMIM 272200.

Submission:

Labcorp Genetics (formerly Invitae), Labcorp
Classification: Pathogenic for Multiple sulfatase deficiency. Last evaluated: 2022-09-20. Review status: criteria provided, single submitter. Criteria: Invitae Variant Classification Sherloc (09022015). Collection method: clinical testing. Allele origin: germline.
Comment: This variant is not present in population databases (gnomAD no frequency). For these reasons, this variant has been classified as Pathogenic. This variant has not been reported in the literature in individuals affected with SUMF1-related conditions. This sequence change creates a premature translational stop signal (p.Asn259Thrfs*9) in the SUMF1 gene. It is expected to result in an absent or disrupted protein product. Loss-of-function variants in SUMF1 are known to be pathogenic (PMID: 12757705, 12757706, 25885655).

Literature cited by the submitters: PubMed 12757705; PubMed 12757706; PubMed 25885655.

NM_182760.4(SUMF1):c.774del (p.Asn259fs)

Gene: SUMF1 (sulfatase modifying factor 1; minus strand). Cytogenetic location: 3p26.1.
Variant type: Deletion.
Coding change: c.774del on transcript NM_182760.4 (MANE Select); coding-DNA position 774, one base deleted (C; older notation c.774delC).
Protein change: p.Asn259fs; shifts the reading frame from asparagine 259.
Molecular consequence: frameshift variant.
Genome position (GRCh38, 1-based): chr3:4,417,194, G deleted on the plus strand (C on the coding strand, the reverse complement: SUMF1 is on the minus strand); the first of 2 consecutive G bases (chr3:4,417,194-4,417,195); deleting either gives the same sequence. VCF-style (leftmost placement, unchanged base first): chr3-4417193-TG-T. GRCh37 (hg19) VCF-style: chr3-4458877-TG-T.
Other names: c.699del, p.Asn234fs (NM_001164674.2); c.774del, p.Asn259fs (NM_001164675.2); short protein forms N259fs, N234fs.
Identifiers: ClinVar variation 2022738 (VCV002022738.4), dbSNP rs2469853491, ClinGen allele CA2580069162.